The following is an entry in ClinVar:

NM_004247.4(EFTUD2):c.1278G>C (p.Glu426Asp)

Gene: EFTUD2 (elongation factor Tu GTP binding domain containing 2; minus strand). Cytogenetic location: 17q21.31.
Variant type: single nucleotide variant.
Coding change: c.1278G>C on transcript NM_004247.4 (MANE Select); coding-DNA position 1278, G replaced by C.
Protein change: p.Glu426Asp; replaces glutamic acid 426 with aspartic acid.
Molecular consequence: missense variant.
Genome position (GRCh38, 1-based): chr17:44,864,937, C>G on the plus strand (G>C on the coding strand, the complement: EFTUD2 is on the minus strand). VCF-style: chr17-44864937-C-G. GRCh37 (hg19) VCF-style: chr17-42942305-C-G.
Other names: c.1173G>C, p.Glu391Asp (NM_001142605.2); c.1278G>C, p.Glu426Asp (NM_001258353.2); c.1248G>C, p.Glu416Asp (NM_001258354.2); short protein forms E391D, E416D, E426D.
Identifiers: ClinVar variation 2835967 (VCV002835967.3), dbSNP rs767742307, ClinGen allele CA399815183.

ClinVar aggregate classification (germline): Uncertain significance (1 of 4 stars; one submission).

gnomAD v4.1: 1 of 1,614,110 alleles (0.000062%); highest among the groups gnomAD compares: Non-Finnish European, 0.000085%; no homozygotes.

Submission:

Labcorp Genetics (formerly Invitae), Labcorp
Classification: Uncertain significance. Last evaluated: 2023-02-10. Review status: criteria provided, single submitter. Criteria: Invitae Variant Classification Sherloc (09022015). Collection method: clinical testing. Allele origin: germline.
Comment: This sequence change replaces glutamic acid, which is acidic and polar, with aspartic acid, which is acidic and polar, at codon 426 of the EFTUD2 protein (p.Glu426Asp). This variant is not present in population databases (gnomAD no frequency). This variant has not been reported in the literature in individuals affected with EFTUD2-related conditions. Advanced modeling of protein sequence and biophysical properties (such as structural, functional, and spatial information, amino acid conservation, physicochemical variation, residue mobility, and thermodynamic stability) performed at Invitae indicates that this missense variant is expected to disrupt EFTUD2 protein function. In summary, the available evidence is currently insufficient to determine the role of this variant in disease. Therefore, it has been classified as a Variant of Uncertain Significance.